The following is an entry in ClinVar:

NM_004371.4(COPA):c.1172A>G (p.Tyr391Cys)

Gene: COPA (coat protein complex I subunit alpha; minus strand). Cytogenetic location: 1q23.2.
Variant type: single nucleotide variant.
Coding change: c.1172A>G on transcript NM_004371.4 (MANE Select); coding-DNA position 1172, A replaced by G.
Protein change: p.Tyr391Cys; replaces tyrosine 391 with cysteine.
Molecular consequence: missense variant.
Genome position (GRCh38, 1-based): chr1:160,309,148, T>C on the plus strand (A>G on the coding strand, the complement: COPA is on the minus strand). VCF-style: chr1-160309148-T-C. GRCh37 (hg19) VCF-style: chr1-160278938-T-C.
Other names: c.1172A>G, p.Tyr391Cys (NM_001098398.2); short protein forms Y391C.
Identifiers: ClinVar variation 3661712 (VCV003661712.2).

ClinVar aggregate classification (germline): Uncertain significance (1 of 4 stars; one submission).

Conditions:
Autoimmune interstitial lung disease-arthritis syndrome. Also called: Autoinflammation and autoimmunity, systemic, with immune dysregulation. Identifiers: Orphanet 444092, MedGen C5975714, MONDO:0014629.

gnomAD v4.1: 4 of 1,613,712 alleles (0.00025%); highest among the groups gnomAD compares: Non-Finnish European, 0.00034%; no homozygotes.

Submission:

Labcorp Genetics (formerly Invitae), Labcorp
Classification: Uncertain significance for Autoimmune interstitial lung disease-arthritis syndrome. Last evaluated: 2024-08-31. Review status: criteria provided, single submitter. Criteria: Invitae Variant Classification Sherloc (09022015). Collection method: clinical testing. Allele origin: germline.
Comment: This sequence change replaces tyrosine, which is neutral and polar, with cysteine, which is neutral and slightly polar, at codon 391 of the COPA protein (p.Tyr391Cys). This variant is not present in population databases (gnomAD no frequency). This variant has not been reported in the literature in individuals affected with COPA-related conditions. Invitae Evidence Modeling of protein sequence and biophysical properties (such as structural, functional, and spatial information, amino acid conservation, physicochemical variation, residue mobility, and thermodynamic stability) indicates that this missense variant is not expected to disrupt COPA protein function with a negative predictive value of 80%. In summary, the available evidence is currently insufficient to determine the role of this variant in disease. Therefore, it has been classified as a Variant of Uncertain Significance.